The following is an entry in ClinVar:

NM_003024.3(ITSN1):c.1747C>T (p.Arg583Ter)

Gene: ITSN1 (intersectin 1; plus strand). Cytogenetic location: 21q22.11.
Variant type: single nucleotide variant.
Coding change: c.1747C>T on transcript NM_003024.3 (MANE Select); coding-DNA position 1747, C replaced by T.
Protein change: p.Arg583Ter; replaces arginine 583 with a stop codon.
Molecular consequence: nonsense.
Genome position (GRCh38, 1-based): chr21:33,782,056, C>T. VCF-style: chr21-33782056-C-T. GRCh37 (hg19) VCF-style: chr21-35154360-C-T.
Other names: c.1747C>T, p.Arg583Ter (NM_001001132.2, NM_001331008.2, NM_001331009.2 and 2 more transcripts); c.1636C>T, p.Arg546Ter (NM_001331012.2); short protein forms R546*, R583*.
Identifiers: ClinVar variation 4858535 (VCV004858535.2).

ClinVar aggregate classification (germline): Uncertain significance (1 of 4 stars; one submission).

Conditions:
Inborn genetic diseases. Identifiers: MedGen C0950123, MeSH D030342.

Submission:

Ambry Genetics
Classification: Uncertain significance for Inborn genetic diseases. Last evaluated: 2026-08-18. Review status: criteria provided, single submitter. Criteria: Ambry Variant Classification Scheme 2023. Collection method: clinical testing. Allele origin: germline.
Comment: The c.1747C>T (p.R583*) alteration, located in exon 16 (coding exon 15) of the ITSN1 gene, consists of a C to T substitution at nucleotide position 1747. This changes the amino acid from a arginine (R) to a stop codon at amino acid position 583. This variant is expected to result in loss of function by premature protein truncation or nonsense-mediated mRNA decay. This variant was not reported in population-based cohorts in the Genome Aggregation Database (gnomAD). Based on insufficient or conflicting evidence, the clinical significance of this alteration remains unclear.